The following is an entry in ClinVar:

ClinVar aggregate classification (germline): Conflicting classifications of pathogenicity. Review status: criteria provided, conflicting classifications (1 of 4 stars). 3 submissions from 3 submitters: Uncertain significance (2); Likely benign (1). Last evaluated 2022-03-29.

Conditions:
Hyperphosphatasia with impaired intellectual development syndrome 2. Also called: Hyperphosphatasia with intellectual disability syndrome 2; GLYCOSYLPHOSPHATIDYLINOSITOL BIOSYNTHESIS DEFECT 6. Identifiers: Orphanet 247262, MedGen C3553637, MONDO:0013882, OMIM 614749.
Inborn genetic diseases. Identifiers: MedGen C0950123, MeSH D030342.

Allele frequency attached by ClinVar (database versions not stated): gnomAD exomes 0.00002 and 0.00001; gnomAD 0.00001; TOPMed 0.00001; ExAC 0.00003.
gnomAD v4.1: 12 of 1,613,602 alleles (0.00074%); highest among the groups gnomAD compares: African/African-American, 0.0013%; no homozygotes.

Submissions (3):

Ambry Genetics
Classification: Likely benign for Inborn genetic diseases. Last evaluated: 2022-03-29. Review status: criteria provided, single submitter. Criteria: Ambry Variant Classification Scheme 2023. Collection method: clinical testing. Allele origin: germline.

Labcorp Genetics (formerly Invitae), Labcorp
Classification: Uncertain significance for Hyperphosphatasia with impaired intellectual development syndrome 2. Last evaluated: 2022-03-19. Review status: criteria provided, single submitter. Criteria: Invitae Variant Classification Sherloc (09022015). Collection method: clinical testing. Allele origin: germline.
Comment: In summary, the available evidence is currently insufficient to determine the role of this variant in disease. Therefore, it has been classified as a Variant of Uncertain Significance. Algorithms developed to predict the effect of missense changes on protein structure and function output the following: SIFT: "Tolerated"; PolyPhen-2: "Benign"; Align-GVGD: "Class C0". The cysteine amino acid residue is found in multiple mammalian species, which suggests that this missense change does not adversely affect protein function. ClinVar contains an entry for this variant (Variation ID: 366757). This variant has not been reported in the literature in individuals affected with PIGO-related conditions. This variant is present in population databases (rs775041042, gnomAD 0.005%). This sequence change replaces arginine, which is basic and polar, with cysteine, which is neutral and slightly polar, at codon 689 of the PIGO protein (p.Arg689Cys).

Illumina Laboratory Services, Illumina
Classification: Uncertain significance for Hyperphosphatasia with impaired intellectual development syndrome 2. Last evaluated: 2018-01-12. Review status: criteria provided, single submitter. Criteria: ICSL Variant Classification Criteria 13 December 2019. Collection method: clinical testing. Allele origin: germline.

NM_032634.4(PIGO):c.2065C>T (p.Arg689Cys)

Gene: PIGO (phosphatidylinositol glycan anchor biosynthesis class O; minus strand). Cytogenetic location: 9p13.3.
Variant type: single nucleotide variant.
Coding change: c.2065C>T on transcript NM_032634.4 (MANE Select); coding-DNA position 2065, C replaced by T.
Protein change: p.Arg689Cys; replaces arginine 689 with cysteine.
Molecular consequence: missense variant. On other transcripts: intron variant (2).
Genome position (GRCh38, 1-based): chr9:35,091,822, G>A on the plus strand (C>T on the coding strand, the complement: PIGO is on the minus strand). VCF-style: chr9-35091822-G-A. GRCh37 (hg19) VCF-style: chr9-35091819-G-A.
Other names: c.1345-531C>T (NM_152850.4, NM_001201484.2); short protein forms R689C.
Identifiers: ClinVar variation 366757 (VCV000366757.14), dbSNP rs775041042, ClinGen allele CA5040510.
Genomic context (GRCh38, chr9:35,091,822, plus strand): 5'-GCAGTCCCCAGCGCACAAAGAGCATGGGTGGCTCGGGGCTCTTGAGATTACCATAGCGGC[G>A]AAGCCACAAGCGCACGGCAGCTAACAGGGCCACCAGCGCCGCCACACAAGCTCCATACCA-3'
Protein context (NP_116023.2, residues 679-699): ALLAAVRLWL[Arg689Cys]RYGNLKSPEP